The following is an entry in ClinVar:

ClinVar aggregate classification (germline): Pathogenic. Review status: criteria provided, multiple submitters, no conflicts (2 of 4 stars). 3 submissions from 3 submitters: Pathogenic (3). Last evaluated 2025-05-01.

Conditions:
Polycystic kidney disease, adult type (PKD1). Also called: POLYCYSTIC KIDNEY DISEASE 1 WITH OR WITHOUT POLYCYSTIC LIVER DISEASE; Polycystic Kidney Disease 1, Autosomal Dominant; Polycystic kidney disease 1; Polycystic kidney disease 1, severe; Polycystic Kidney, Autosomal Dominant; POLYCYSTIC KIDNEY DISEASE, ADULT, TYPE I. Identifiers: MedGen C3149841, MONDO:0008263, OMIM 173900.

Submissions (3):

Women's Health and Genetics/Laboratory Corporation of America, LabCorp
Classification: Pathogenic for Polycystic kidney disease, adult type. Last evaluated: 2025-05-01. Review status: criteria provided, single submitter. Criteria: LabCorp Variant Classification Summary - May 2015. Collection method: clinical testing. Allele origin: germline.
Comment: Variant summary: PKD1 c.5756delT (p.Phe1919SerfsX30) results in a premature termination codon, predicted to cause a truncation of the encoded protein or absence of the protein due to nonsense mediated decay, which are commonly known mechanisms for disease. The variant was absent in 233108 control chromosomes. To our knowledge, no occurrence of c.5756delT in individuals affected with Polycystic Kidney Disease 1 and no experimental evidence demonstrating its impact on protein function have been reported. ClinVar contains an entry for this variant (Variation ID: 2579534). Based on the evidence outlined above, the variant was classified as pathogenic.

Fulgent Genetics
Classification: Pathogenic for Polycystic kidney disease, adult type. Last evaluated: 2024-04-09. Review status: criteria provided, single submitter. Criteria: ACMG Guidelines, 2015. Collection method: clinical testing. Allele origin: germline.

GeneDx
Classification: Pathogenic. Last evaluated: 2023-08-17. Review status: criteria provided, single submitter. Criteria: GeneDx Variant Classification Process June 2021. Collection method: clinical testing. Allele origin: germline. Affected: yes.
Comment: Frameshift variant predicted to result in protein truncation or nonsense mediated decay in a gene for which loss-of-function is a known mechanism of disease; Not observed at significant frequency in large population cohorts (gnomAD); Has not been previously published as pathogenic or benign to our knowledge

NM_001009944.3(PKD1):c.5756del (p.Phe1919fs)

Gene: PKD1 (polycystin 1, transient receptor potential channel interacting; minus strand). Cytogenetic location: 16p13.3.
Variant type: Deletion.
Coding change: c.5756del on transcript NM_001009944.3 (MANE Select); coding-DNA position 5756, one base deleted (T; older notation c.5756delT).
Protein change: p.Phe1919fs; shifts the reading frame from phenylalanine 1919.
Molecular consequence: frameshift variant.
Genome position (GRCh38, 1-based): chr16:2,109,411, A deleted on the plus strand (T on the coding strand, the reverse complement: PKD1 is on the minus strand); the first of 2 consecutive A bases (chr16:2,109,411-2,109,412); deleting either gives the same sequence. VCF-style (leftmost placement, unchanged base first): chr16-2109410-GA-G. GRCh37 (hg19) VCF-style: chr16-2159411-GA-G.
Other names: c.5756del, p.Phe1919fs (NM_000296.4); c.5755delT, p.Phe1919Serfs (NM_001009944.2); c.5756delT (NM_001009944.3); short protein forms F1919fs.
Identifiers: ClinVar variation 2579534 (VCV002579534.3), dbSNP rs2544809853, ClinGen allele CA2580617983.